The following is an entry in ClinVar:

ClinVar aggregate classification (germline): Uncertain significance. Review status: criteria provided, multiple submitters, no conflicts (2 of 4 stars). 3 submissions from 3 submitters: Uncertain significance (3). Last evaluated 2025-03-26.

Conditions:
Inborn genetic diseases. Identifiers: MedGen C0950123, MeSH D030342.
Muscular dystrophy-dystroglycanopathy (congenital with impaired intellectual development), type B, 1. Also called: MUSCULAR DYSTROPHY, CONGENITAL, POMT1-RELATED; Muscular dystrophy-dystroglycanopathy (congenital with intellectual disability), type B1. Identifiers: MedGen C5436962, MONDO:0013159, OMIM 613155.
Autosomal recessive limb-girdle muscular dystrophy type 2K. Also called: MUSCULAR DYSTROPHY-DYSTROGLYCANOPATHY (LIMB-GIRDLE), TYPE C, 1; MUSCULAR DYSTROPHY, LIMB-GIRDLE, TYPE 2K. Identifiers: Orphanet 86812, MedGen C1836373, MONDO:0012248, OMIM 609308.
Walker-Warburg congenital muscular dystrophy. Also called: Muscular dystrophy-dystroglycanopathy, type A; Walker-Warburg syndrome. Identifiers: Orphanet 899, MedGen C0265221, MONDO:0000171.

Allele frequency attached by ClinVar (database versions not stated): gnomAD exomes below 0.00001 and 0.00005; ExAC 0.00001; gnomAD 0.00002; TOPMed 0.00002.
gnomAD v4.1: 72 of 1,612,936 alleles (0.0045%); highest among the groups gnomAD compares: Non-Finnish European, 0.0059%; no homozygotes.

Submissions (3):

Revvity Omics, Revvity
Classification: Uncertain significance. Last evaluated: 2025-03-26. Review status: criteria provided, single submitter. Criteria: ACMG Guidelines, 2015. Collection method: clinical testing. Allele origin: germline.

Ambry Genetics
Classification: Uncertain significance for Inborn genetic diseases. Last evaluated: 2024-01-19. Review status: criteria provided, single submitter. Criteria: Ambry Variant Classification Scheme 2023. Collection method: clinical testing. Allele origin: germline.

Labcorp Genetics (formerly Invitae), Labcorp
Classification: Uncertain significance for Muscular dystrophy-dystroglycanopathy (congenital with impaired intellectual development), type B, 1; Walker-Warburg congenital muscular dystrophy; Autosomal recessive limb-girdle muscular dystrophy type 2K. Last evaluated: 2021-08-28. Review status: criteria provided, single submitter. Criteria: Invitae Variant Classification Sherloc (09022015). Collection method: clinical testing. Allele origin: germline.
Comment: This sequence change replaces glycine with glutamic acid at codon 398 of the POMT1 protein (p.Gly398Glu). The glycine residue is highly conserved and there is a moderate physicochemical difference between glycine and glutamic acid. This variant is present in population databases (rs761293717, ExAC 0.01%). This variant has not been reported in the literature in individuals affected with POMT1-related conditions. Algorithms developed to predict the effect of missense changes on protein structure and function (SIFT, PolyPhen-2, Align-GVGD) all suggest that this variant is likely to be disruptive. In summary, the available evidence is currently insufficient to determine the role of this variant in disease. Therefore, it has been classified as a Variant of Uncertain Significance.

NM_001077365.2(POMT1):c.1127G>A (p.Gly376Glu)

Gene: POMT1 (protein O-mannosyltransferase 1; plus strand). Cytogenetic location: 9q34.13.
Variant type: single nucleotide variant.
Coding change: c.1127G>A on transcript NM_001077365.2 (MANE Select); coding-DNA position 1127, G replaced by A.
Protein change: p.Gly376Glu; replaces glycine 376 with glutamic acid.
Molecular consequence: missense variant. On other transcripts: non-coding transcript variant (10), intron variant (1).
Genome position (GRCh38, 1-based): chr9:131,513,283, G>A. VCF-style: chr9-131513283-G-A. GRCh37 (hg19) VCF-style: chr9-134388670-G-A.
Other names: c.965G>A, p.Gly322Glu (NM_001077366.2, NM_001353194.2); c.1127G>A, p.Gly376Glu (NM_001136113.2, NM_001374690.1); c.776G>A, p.Gly259Glu (NM_001136114.2, NM_001353195.2, NM_001374691.1 and 1 more transcripts); c.1193G>A, p.Gly398Glu (NM_001353193.2, NM_007171.4); c.1037G>A, p.Gly346Glu (NM_001353196.2); c.1031G>A, p.Gly344Glu (NM_001353197.2, NM_001353198.2); c.842G>A, p.Gly281Glu (NM_001353199.2); c.671G>A, p.Gly224Glu (NM_001353200.2); and 4 more; short protein forms G224E, G259E, G344E, G376E, G246E, G346E, G398E, G322E.
Identifiers: ClinVar variation 1040150 (VCV001040150.8), dbSNP rs761293717, ClinGen allele CA5293545.
Genomic context (GRCh38, chr9:131,513,283, plus strand): 5'-GCACTGTGTCTTCCAGGCACCAGCTGGTGGTGAGCAGCCCTCCGAGACCTGTGAGGCACG[G>A]GGACATGGTGCAGCTGGTCCACGGCATGACCACCCGCTCCCTGAACACGTGAGTGTGCCC-3'
Protein context (NP_001070833.1, residues 366-386): VSSPPRPVRH[Gly376Glu]DMVQLVHGMT